The following is an entry in ClinVar:

ClinVar aggregate classification (germline): Pathogenic (1 of 4 stars; one submission).

Submission:

Labcorp Genetics (formerly Invitae), Labcorp
Classification: Pathogenic. Last evaluated: 2023-12-02. Review status: criteria provided, single submitter. Criteria: Invitae Variant Classification Sherloc (09022015). Collection method: clinical testing. Allele origin: germline.
Comment: This sequence change creates a premature translational stop signal (p.Glu74*) in the EFNB1 gene. It is expected to result in an absent or disrupted protein product. Loss-of-function variants in EFNB1 are known to be pathogenic (PMID: 15959873, 16685650). This variant is not present in population databases (gnomAD no frequency). This premature translational stop signal has been observed in individual(s) with craniofrontonasal syndrome (PMID: 15959873). For these reasons, this variant has been classified as Pathogenic.

Literature cited by the submitters: PubMed 15959873; PubMed 16685650.

NM_004429.5(EFNB1):c.220G>T (p.Glu74Ter)

Gene: EFNB1 (ephrin B1; plus strand). Cytogenetic location: Xq13.1.
Variant type: single nucleotide variant.
Coding change: c.220G>T on transcript NM_004429.5 (MANE Select); coding-DNA position 220, G replaced by T.
Protein change: p.Glu74Ter; replaces glutamic acid 74 with a stop codon.
Molecular consequence: nonsense.
Genome position (GRCh38, 1-based): chrX:68,838,708, G>T. VCF-style: chrX-68838708-G-T. GRCh37 (hg19) VCF-style: chrX-68058551-G-T.
Other names: short protein forms E74*.
Identifiers: ClinVar variation 2737239 (VCV002737239.3), dbSNP rs2519538159, ClinGen allele CA413437447.